The following is an entry in ClinVar:

ClinVar aggregate classification (germline): Pathogenic (1 of 4 stars; one submission).

Submission:

Labcorp Genetics (formerly Invitae), Labcorp
Classification: Pathogenic. Last evaluated: 2024-04-08. Review status: criteria provided, single submitter. Criteria: Invitae Variant Classification Sherloc (09022015). Collection method: clinical testing. Allele origin: germline.
Comment: This sequence change creates a premature translational stop signal (p.Cys650*) in the LTBP4 gene. It is expected to result in an absent or disrupted protein product. Loss-of-function variants in LTBP4 are known to be pathogenic (PMID: 19836010, 22829427). This variant is not present in population databases (gnomAD no frequency). This variant has not been reported in the literature in individuals affected with LTBP4-related conditions. For these reasons, this variant has been classified as Pathogenic.

Literature cited by the submitters: PubMed 19836010; PubMed 22829427.

NM_001042545.2(LTBP4):c.1860C>A (p.Cys620Ter)

Gene: LTBP4 (latent transforming growth factor beta binding protein 4; plus strand). Cytogenetic location: 19q13.2.
Variant type: single nucleotide variant.
Coding change: c.1860C>A on transcript NM_001042545.2 (MANE Select); coding-DNA position 1860, C replaced by A.
Protein change: p.Cys620Ter; replaces cysteine 620 with a stop codon.
Molecular consequence: nonsense.
Genome position (GRCh38, 1-based): chr19:40,611,201, C>A. VCF-style: chr19-40611201-C-A. GRCh37 (hg19) VCF-style: chr19-41117107-C-A.
Other names: c.2061C>A, p.Cys687Ter (NM_001042544.1); c.1950C>A, p.Cys650Ter (NM_003573.2); short protein forms C620*, C650*, C687*.
Identifiers: ClinVar variation 3649189 (VCV003649189.2).
Genomic context (GRCh38, chr19:40,611,201, plus strand): 5'-GCCCTGTGCAGATGTGGATGAATGCACCCAGAGCCCAGGCCTGTGTGGCCGAGGGGCCTG[C>A]AAGAACCTGCCTGGCTCTTTCCGCTGTGTTTGCCCGGCTGGCTTCCGGGGCTCGGCGTGT-3'